The following is an entry in ClinVar:

ClinVar aggregate classification (germline): Likely benign. Review status: criteria provided, multiple submitters, no conflicts (2 of 4 stars). 3 submissions from 3 submitters: Likely benign (3). Last evaluated 2026-01-18.

Allele frequency attached by ClinVar (database versions not stated): 1000 Genomes Project 30x 0.00016; 1000 Genomes Project 0.00020; ExAC 0.00034; gnomAD 0.00035 and 0.00038; gnomAD exomes 0.00038 and 0.00085; TOPMed 0.00044; ESP Exome Variant Server 0.00054.
gnomAD v4.1: 1,266 of 1,614,140 alleles (0.078%); highest among the groups gnomAD compares: Non-Finnish European, 0.1%; 1 homozygote.

Submissions (3):

Labcorp Genetics (formerly Invitae), Labcorp
Classification: Likely benign. Last evaluated: 2026-01-18. Review status: criteria provided, single submitter. Criteria: Invitae Variant Classification Sherloc (09022015). Collection method: clinical testing. Allele origin: germline.

CeGaT Center for Human Genetics Tuebingen
Classification: Likely benign. Last evaluated: 2025-05-01. Review status: criteria provided, single submitter. Criteria: CeGaT Center For Human Genetics Tuebingen Variant Classification Criteria Version 2. Collection method: clinical testing. Allele origin: germline. Affected: yes. Observed: 2 variant alleles.
Comment: ARMC9: BP4, BP7

Blueprint Genetics
Classification: Likely benign. Last evaluated: 2024-11-25. Review status: criteria provided, single submitter. Criteria: ACMG Guidelines, 2015. Collection method: clinical testing. Allele origin: germline.

NM_001352754.2(ARMC9):c.979T>C (p.Leu327=)

Gene: ARMC9 (armadillo repeat containing 9; plus strand). Cytogenetic location: 2q37.1.
Variant type: single nucleotide variant.
Coding change: c.979T>C on transcript NM_001352754.2 (MANE Select); coding-DNA position 979, T replaced by C.
Protein change: p.Leu327=; no amino-acid change (leucine 327 retained).
Molecular consequence: synonymous variant. On other transcripts: non-coding transcript variant (1).
Genome position (GRCh38, 1-based): chr2:231,259,055, T>C. VCF-style: chr2-231259055-T-C. GRCh37 (hg19) VCF-style: chr2-232123768-T-C.
Other names: c.979T>C, p.Leu327= (NM_001271466.4, NM_001291656.2, NM_001352755.2 and 3 more transcripts); c.880T>C, p.Leu294= (NM_001352757.2, NM_001352758.2).
Identifiers: ClinVar variation 724674 (VCV000724674.24), dbSNP rs35322543, ClinGen allele CA2160137.
Genomic context (GRCh38, chr2:231,259,055, plus strand): 5'-TTGAAGGATGTCCCATTACTGCCCTCCTTGGATTATGAGAAACTGAAGAAGGATTTGATT[T>C]TGGGGAGTGACCGCTTGAAAGCCTTCTTGTTGCAGGCTCTGCGCTGGGTAGGTACCTTTG-3'
Protein context (NP_001339683.2, residues 317-337): DYEKLKKDLI[Leu327=]GSDRLKAFLL